The following is an entry in ClinVar:

ClinVar aggregate classification (germline): Likely pathogenic. Review status: criteria provided, multiple submitters, no conflicts (2 of 4 stars). 2 submissions from 2 submitters: Likely pathogenic (2). Last evaluated 2023-05-22.

Conditions:
Glycogen storage disease IV, classic hepatic. Also called: GSD IV, CLASSIC HEPATIC. Identifiers: MedGen C1856301.
Glycogen storage disease, type IV (GSD4). Also called: GBE1 DEFICIENCY; GLYCOGEN BRANCHING ENZYME DEFICIENCY; GLYCOGENOSIS IV; GSD IV; AMYLOPECTINOSIS; ANDERSEN DISEASE. Identifiers: Orphanet 367, MedGen C0017923, MONDO:0009292, OMIM 232500.

Submissions (2):

Baylor Genetics
Classification: Likely pathogenic for Glycogen storage disease, type IV. Last evaluated: 2023-05-22. Review status: criteria provided, single submitter. Criteria: ACMG Guidelines, 2015. Collection method: clinical testing. Allele origin: unknown.

Labcorp Genetics (formerly Invitae), Labcorp
Classification: Likely pathogenic for Glycogen storage disease, type IV; Glycogen storage disease IV, classic hepatic. Last evaluated: 2021-12-29. Review status: criteria provided, single submitter. Criteria: Invitae Variant Classification Sherloc (09022015). Collection method: clinical testing. Allele origin: germline.
Comment: In summary, the currently available evidence indicates that the variant is pathogenic, but additional data are needed to prove that conclusively. Therefore, this variant has been classified as Likely Pathogenic. This variant results in the deletion of part of exon 13 (c.1799_1803+8del) of the GBE1 gene. It is expected to disrupt RNA splicing. Variants that disrupt the donor or acceptor splice site typically lead to a loss of protein function (PMID: 16199547), and loss-of-function variants in GBE1 are known to be pathogenic (PMID: 15452297, 20058079). This variant is not present in population databases (gnomAD no frequency). This variant has not been reported in the literature in individuals affected with GBE1-related conditions.

Literature cited by the submitters: PubMed 16199547 (cited by Labcorp Genetics (formerly Invitae), Labcorp); PubMed 15452297 (cited by Labcorp Genetics (formerly Invitae), Labcorp); PubMed 20058079 (cited by Labcorp Genetics (formerly Invitae), Labcorp).

NM_000158.4(GBE1):c.1799_1803+8del

Gene: GBE1 (1,4-alpha-glucan branching enzyme 1; minus strand). Cytogenetic location: 3p12.2.
Variant type: Deletion.
Coding change: c.1799_1803+8del on transcript NM_000158.4 (MANE Select); coding-DNA position 1799 through 8 bases into the intron after coding-DNA position 1803, 13 bases deleted (CACAGGTAAGCTC).
Molecular consequence: splice donor variant.
Genome position (GRCh38, 1-based): chr3:81,536,903-81,536,915, GAGCTTACCTGTG deleted on the plus strand (CACAGGTAAGCTC on the coding strand, the reverse complement: GBE1 is on the minus strand); deleting any 13 consecutive bases within chr3:81,536,903-81,536,920 gives the same sequence; the c. name uses the placement nearest the transcript's 3' end. VCF-style (leftmost placement, unchanged base first): chr3-81536902-AGAGCTTACCTGTG-A. GRCh37 (hg19) VCF-style: chr3-81586053-AGAGCTTACCTGTG-A.
Identifiers: ClinVar variation 1946027 (VCV001946027.6), dbSNP rs2471675160, ClinGen allele CA2580070457.